The following is an entry in ClinVar:

ClinVar aggregate classification (germline): Likely pathogenic (1 of 4 stars; one submission).

Conditions:
Usher syndrome type 1D (USH1D). Also called: USHER SYNDROME, TYPE ID. Identifiers: Orphanet 231169, Orphanet 886, MedGen C1832845, MONDO:0010984, OMIM 601067.

Submission:

Myriad Genetics, Inc.
Classification: Likely pathogenic for Usher syndrome type 1D. Last evaluated: 2021-12-17. Review status: criteria provided, single submitter. Criteria: Myriad Women's Health Autosomal Recessive and X-Linked Classification Criteria (2021). Collection method: clinical testing. Allele origin: unknown.
Comment: NM_033056.3(PCDH15):c.2097_2098insG(T700Dfs*13) is expected to be pathogenic in the context of PCDH15-related disorders. This variant is predicted to lead to an abnormal or absent protein product due to the creation of a premature termination codon in PCDH15, a gene where loss-of-function variants are known to be pathogenic. Please note: this variant was assessed in the context of healthy population screening.

NM_001384140.1(PCDH15):c.2097_2098insG (p.Thr700fs)

Gene: PCDH15 (protocadherin related 15; minus strand). Cytogenetic location: 10q21.1.
Variant type: Insertion.
Coding change: c.2097_2098insG on transcript NM_001384140.1 (MANE Select); coding-DNA positions 2097 to 2098, G inserted.
Protein change: p.Thr700fs; shifts the reading frame from threonine 700.
Molecular consequence: frameshift variant.
Genome position: GRCh38 VCF-style: chr10-54066879-T-TC. GRCh37 (hg19) VCF-style: chr10-55826639-T-TC.
Other names: c.2112_2113insG, p.Thr705fs (NM_001142763.2, NM_001142771.2); c.2097_2098insG, p.Thr700fs (NM_001142764.2, NM_001142766.2, NM_001142770.3 and 5 more transcripts); c.1884_1885insG, p.Thr629fs (NM_001142765.2); c.1986_1987insG, p.Thr663fs (NM_001142767.2); c.2031_2032insG, p.Thr678fs (NM_001142768.2, NM_001142773.2, NM_001354404.2); c.2133_2134insG, p.Thr712Aspfs (NM_001142769.4); c.2118_2119insG, p.Thr707fs (NM_001354411.2); short protein forms T629fs, T663fs, T678fs, T700fs, T705fs, T707fs, T712fs.
Identifiers: ClinVar variation 1726520 (VCV001726520.2), dbSNP rs2539768820, ClinGen allele CA2580081632.